The following is an entry in ClinVar:

NM_032043.3(BRIP1):c.2990_2993dup (p.Lys998fs)

Gene: BRIP1 (BRCA1 interacting DNA helicase 1; minus strand). Cytogenetic location: 17q23.2.
Variant type: Microsatellite.
Coding change: c.2990_2993dup on transcript NM_032043.3 (MANE Select); coding-DNA positions 2990 to 2993, 4 bases duplicated (CAAA; older notation c.2990_2993dupCAAA).
Protein change: p.Lys998fs; shifts the reading frame from lysine 998.
Molecular consequence: frameshift variant.
Genome position (GRCh38, 1-based): chr17:61,684,053-61,684,056, TTTG duplicated on the plus strand (CAAA on the coding strand, the reverse complement: BRIP1 is on the minus strand); duplicating any 4 consecutive bases within chr17:61,684,053-61,684,066 gives the same sequence; the c. name uses the placement nearest the transcript's 3' end. VCF-style (leftmost placement, unchanged base first): chr17-61684052-C-CTTTG. GRCh37 (hg19) VCF-style: chr17-59761413-C-CTTTG.
Other names: c.2990_2993dupCAAA (NM_032043.2); short protein forms K998fs.
Identifiers: ClinVar variation 241647 (VCV000241647.19), dbSNP rs771028677, ClinGen allele CA10583618.

ClinVar aggregate classification (germline): Conflicting classifications of pathogenicity. Review status: criteria provided, conflicting classifications (1 of 4 stars). 5 submissions from 5 submitters: Likely pathogenic (3); Uncertain significance (2). Last evaluated 2026-03-19.

Conditions:
BRIP1-related disorder. Also called: BRIP1-related condition; BRIP1-related disorders. Identifiers: MedGen CN239206.
Hereditary cancer-predisposing syndrome. Also called: Neoplastic Syndromes, Hereditary; Hereditary neoplastic syndrome; Hereditary Cancer Syndrome; Tumor predisposition. Identifiers: Orphanet 140162, MedGen C0027672, MeSH D009386, MONDO:0015356.
Familial cancer of breast. Also called: BREAST CANCER, FAMILIAL; Hereditary breast cancer; hereditary breast carcinoma. Identifiers: Orphanet 227535, MedGen C0346153, MONDO:0016419, OMIM 114480. Disease mechanism: loss of function.
Fanconi anemia complementation group J. Also called: BRIP1-Related Fanconi Anemia. Identifiers: Orphanet 84, MedGen C1836860, MONDO:0012187, OMIM 609054.
Hereditary breast ovarian cancer syndrome. Also called: Hereditary breast and ovarian cancer syndrome; Hereditary breast and/or ovarian cancer syndrome; BRCA1- and BRCA2-Associated Hereditary Breast and Ovarian Cancer; Breast and ovarian cancer; Hereditary breast and ovarian cancer syndrome (HBOC); Hereditary breast and ovarian cancer. Identifiers: Orphanet 145, MedGen C0677776, MeSH D061325, MONDO:0003582. Disease mechanism: loss of function.

Submissions (5):

PreventionGenetics, part of Exact Sciences
Classification: Likely pathogenic for BRIP1-related condition. Last evaluated: 2026-03-19. Review status: criteria provided, single submitter. Criteria: ACMG Guidelines, 2015. Collection method: clinical testing. Allele origin: germline.
Comment: The BRIP1 c.2990_2993dupCAAA variant is predicted to result in a frameshift and premature protein termination (p.Lys998Asnfs*5). This variant has been reported in cohort studies of individuals with BRIP1‑related disorders or a family history of such conditions (Table S1, Shao et al. 2020. PubMed ID: 31742824; Table S4, Bhai et al. 2021. PubMed ID: 34326862; Supplementary Table S8, Mosquera Orgueira et al. 2021. PubMed ID: 33809641). This variant has not been reported in a large population database, indicating this variant is rare. While this variant is expected to result in a prematurely truncated protein, it is not expected to undergo nonsense-mediated decay. It does however disrupt the c-terminal domain of the BRIP1 protein which is critical for normal protein function (Gong et al. 2010. PubMed ID: 20159562; Leung et al. 2010. PubMed ID: 21127055; Xie et al. 2012. PubMed ID: 22792074). This variant is interpreted as likely pathogenic.

Labcorp Genetics (formerly Invitae), Labcorp
Classification: Uncertain significance for Familial cancer of breast; Fanconi anemia complementation group J. Last evaluated: 2026-01-26. Review status: criteria provided, single submitter. Criteria: Invitae Variant Classification Sherloc (09022015). Collection method: clinical testing. Allele origin: germline.
Comment: This sequence change creates a premature translational stop signal (p.Lys998Asnfs*5) in the BRIP1 gene. While this is not anticipated to result in nonsense mediated decay, it is expected to disrupt the last 252 amino acid(s) of the BRIP1 protein. This variant is not present in population databases (gnomAD no frequency). This premature translational stop signal has been observed in individual(s) with breast cancer (PMID: 26315354, 34326862). ClinVar contains an entry for this variant (Variation ID: 241647). In summary, the available evidence is currently insufficient to determine the role of this variant in disease. Therefore, it has been classified as a Variant of Uncertain Significance.

Ambry Genetics
Classification: Uncertain significance for Hereditary cancer-predisposing syndrome. Last evaluated: 2025-03-14. Review status: criteria provided, single submitter. Criteria: Ambry Variant Classification Scheme 2023. Collection method: clinical testing. Allele origin: germline.
Comment: The c.2990_2993dupCAAA variant, located in coding exon 19 of the BRIP1 gene, results from a duplication of CAAA at nucleotide position 2990, causing a translational frameshift with a predicted alternate stop codon (p.K998Nfs*5). This alteration occurs at the 3' terminus of theBRIP1 gene, is not expected to trigger nonsense-mediated mRNA decay, and impacts the last 252 amino acids of the protein. The exact functional impact of these impacted amino acids is unknown. While the C-terminal region of the BRIP1 protein has been shown by structural, biochemical, and mutational analysis to be relevant for some aspects of BRIP1 protein function (Gong Z et al. Mol. Cell, 2010 Feb;37:438-46; Leung CC et al. J. Biol. Chem. 2011 Feb; 286(6):4292-301; Xie J et al. PLoS Genet. 2012 Jul; 8(7):e1002786), functional studies have shown that truncations in the 3' terminus of BRIP1 display normal function in response to intra-strand cross-linking agents (Calvo JA et al. Mol Cancer Res, 2021 Jun;19:1015-1025). In addition, 3' truncations in BRIP1 occurring upstream of this variant have been detected in the homozygous or compound heterozygous state in individuals with no reported features of BRIP1-related Fanconi Anemia (FA-J) (Ambry internal data). Based on the available evidence, the clinical significance of this variant remains unclear.

Laboratory for Molecular Medicine, Mass General Brigham Personalized Medicine
Classification: Likely pathogenic for Hereditary breast ovarian cancer syndrome. Last evaluated: 2022-11-03. Review status: criteria provided, single submitter. Criteria: ACMG Guidelines, 2015. Collection method: clinical testing. Allele origin: germline.
Comment: The p.Lys998AsnfsX5 variant in BRIP1 has been reported in at least 1 individual with breast or ovarian cancer and in 1 individual with a B-cell neoplasm (Shao 2020 PMID: 31742824, Mosquera Orgueira 2021 PMID: 33809641). It has also been reported in ClinVar (Variation ID 241647) but was absent from large population databases. This variant is predicted to cause a frameshift, which alters the protein’s amino acid sequence beginning at position 998 and leads to a premature termination codon 5 amino acids downstream. This termination codon occurs within the last exon and is, therefore, likely to escape nonsense mediated decay (NMD) and result in a truncated protein. It is predicted to disrupt the last 252 amino acids of the BRIP1 protein and several other BRIP1 variants located downstream of this variant have been reported in individuals with breast and or ovariant cancer. Loss of function of the BRIP1 gene is an established disease mechanism in autosomal dominant breast and ovariant cancer. In summary, In summary, although additional studies are required to fully establish its clinical significance, this variant meets criteria to be classified as likely pathogenic for autosomal dominant breast and ovarian cancer. ACMG/AMP Criteria applied: PVS1_Strong, PS4_Supporting, PM2_Supporting.

Baylor Genetics
Classification: Likely pathogenic for Familial cancer of breast. Last evaluated: 2022-07-11. Review status: criteria provided, single submitter. Criteria: ACMG Guidelines, 2015. Collection method: clinical testing. Allele origin: unknown.

Literature cited by the submitters: PubMed 26315354 (cited by Labcorp Genetics (formerly Invitae), Labcorp); PubMed 34326862 (cited by Labcorp Genetics (formerly Invitae), Labcorp).